The following is an entry in ClinVar:

NM_017654.4(SAMD9):c.4528T>G (p.Ser1510Ala)

Gene: SAMD9 (sterile alpha motif domain containing 9; minus strand). Cytogenetic location: 7q21.2.
Variant type: single nucleotide variant.
Coding change: c.4528T>G on transcript NM_017654.4 (MANE Select); coding-DNA position 4528, T replaced by G.
Protein change: p.Ser1510Ala; replaces serine 1510 with alanine.
Molecular consequence: missense variant.
Genome position (GRCh38, 1-based): chr7:93,101,570, A>C on the plus strand (T>G on the coding strand, the complement: SAMD9 is on the minus strand). VCF-style: chr7-93101570-A-C. GRCh37 (hg19) VCF-style: chr7-92730883-A-C.
Other names: c.4528T>G, p.Ser1510Ala (NM_001193307.2); short protein forms S1510A.
Identifiers: ClinVar variation 3792103 (VCV003792103.1).

ClinVar aggregate classification (germline): Uncertain significance (1 of 4 stars; one submission).

Conditions:
Inborn genetic diseases. Identifiers: MedGen C0950123, MeSH D030342.

Submission:

Ambry Genetics
Classification: Uncertain significance for Inborn genetic diseases. Last evaluated: 2025-02-16. Review status: criteria provided, single submitter. Criteria: Ambry Variant Classification Scheme 2023. Collection method: clinical testing. Allele origin: germline.
Comment: The p.S1510A variant (also known as c.4528T>G), located in coding exon 1 of the SAMD9 gene, results from a T to G substitution at nucleotide position 4528. The serine at codon 1510 is replaced by alanine, an amino acid with similar properties. This amino acid position is conserved. In addition, this alteration is predicted to be tolerated by in silico analysis. Based on the available evidence, the clinical significance of this variant remains unclear.